The following is an entry in ClinVar:

ClinVar aggregate classification (germline): Likely benign. Review status: reviewed by expert panel (3 of 4 stars). 3 submissions from 3 submitters: Likely benign (1). 2 of the submissions do not count toward it. Last evaluated 2017-06-29.

Conditions:
Hereditary cancer-predisposing syndrome. Also called: Tumor predisposition; Hereditary Cancer Syndrome; Neoplastic Syndromes, Hereditary; Hereditary neoplastic syndrome. Identifiers: Orphanet 140162, MedGen C0027672, MeSH D009386, MONDO:0015356.
Hereditary breast ovarian cancer syndrome. Also called: Hereditary breast and/or ovarian cancer syndrome; BRCA1- and BRCA2-Associated Hereditary Breast and Ovarian Cancer; Hereditary breast and ovarian cancer; Hereditary breast and ovarian cancer syndrome (HBOC); Breast and ovarian cancer; Hereditary breast and ovarian cancer syndrome. Identifiers: Orphanet 145, MedGen C0677776, MeSH D061325, MONDO:0003582. Disease mechanism: loss of function.
Breast-ovarian cancer, familial, susceptibility to, 2 (BROVCA2). Also called: BRCA2 Hereditary Breast and Ovarian Cancer. Identifiers: Orphanet 145, MedGen C2675520, MONDO:0012933, OMIM 612555. Disease mechanism: loss of function.

Submissions (3):

Evidence-based Network for the Interpretation of Germline Mutant Alleles (ENIGMA)
Classification: Likely benign for Breast-ovarian cancer, familial, susceptibility to, 2. Last evaluated: 2017-06-29. Review status: reviewed by expert panel. Criteria: ENIGMA BRCA1/2 Classification Criteria (2017-06-29). Collection method: curation. Allele origin: germline.
Comment: Synonymous substitution variant, with low bioinformatic likelihood to result in a splicing aberration (Splicing prior probability 0.02).

Ambry Genetics
Classification: Likely benign for Hereditary cancer-predisposing syndrome. Last evaluated: 2023-11-14. Review status: criteria provided, single submitter. Criteria: Ambry Variant Classification Scheme 2023. Collection method: clinical testing. Allele origin: germline. Not counted in ClinVar's aggregate classification.

Labcorp Genetics (formerly Invitae), Labcorp
Classification: Likely benign for Hereditary breast ovarian cancer syndrome. Last evaluated: 2019-03-09. Review status: criteria provided, single submitter. Criteria: Invitae Variant Classification Sherloc (09022015). Collection method: clinical testing. Allele origin: germline. Not counted in ClinVar's aggregate classification.

NM_000059.4(BRCA2):c.9951G>A (p.Leu3317=)

Gene: BRCA2 (BRCA2 DNA repair associated; plus strand). Cytogenetic location: 13q13.1.
Variant type: single nucleotide variant.
Coding change: c.9951G>A on transcript NM_000059.4 (MANE Select); coding-DNA position 9951, G replaced by A.
Protein change: p.Leu3317=; no amino-acid change (leucine 3317 retained).
Molecular consequence: synonymous variant.
Genome position (GRCh38, 1-based): chr13:32,398,464, G>A. VCF-style: chr13-32398464-G-A. GRCh37 (hg19) VCF-style: chr13-32972601-G-A.
Identifiers: ClinVar variation 215628 (VCV000215628.13), dbSNP rs863224319, ClinGen allele CA336015.